The following is an entry in ClinVar:

NM_005199.5(CHRNG):c.195+14C>T

Gene: CHRNG (cholinergic receptor nicotinic gamma subunit; plus strand). Cytogenetic location: 2q37.1.
Variant type: single nucleotide variant.
Coding change: c.195+14C>T on transcript NM_005199.5 (MANE Select); 14 bases into the intron after coding-DNA position 195, C replaced by T.
Molecular consequence: intron variant.
Genome position (GRCh38, 1-based): chr2:232,540,145, C>T. VCF-style: chr2-232540145-C-T. GRCh37 (hg19) VCF-style: chr2-233404855-C-T.
Identifiers: ClinVar variation 897878 (VCV000897878.7), dbSNP rs200640510, ClinGen allele CA2168527.
Genomic context (GRCh38, chr2:232,540,145, plus strand): 5'-TGGTCAATGTCAGCCTGAAGCTAACCCTCACCAACCTCATCTCCCTGGTAAGCCGCAGGA[C>T]GGAGGAGGGGTCAGCGCACCACGCCCTGGGACCTGCTGGGGATAGCATGGGGTGGCTCCA-3'

ClinVar aggregate classification (germline): Conflicting classifications of pathogenicity. Review status: criteria provided, conflicting classifications (1 of 4 stars). 3 submissions from 2 submitters: Uncertain significance (1); Benign (1); Likely benign (1). Last evaluated 2026-02-04.

Conditions:
Autosomal recessive multiple pterygium syndrome. Also called: MULTIPLE PTERYGIUM SYNDROME, ESCOBAR VARIANT; PTERYGIUM COLLI SYNDROME; PTERYGIUM SYNDROME; PTERYGIUM UNIVERSALE. Identifiers: Orphanet 2990, MedGen C0265261, MONDO:0009926, OMIM 265000.
Lethal multiple pterygium syndrome (LMPS). Identifiers: Orphanet 33108, MedGen C1854678, MONDO:0009668, OMIM 253290.

Allele frequency attached by ClinVar (database versions not stated): 1000 Genomes Project 0.00180; 1000 Genomes Project 30x 0.00203; TOPMed 0.00283; gnomAD 0.00299; ESP Exome Variant Server 0.00315; gnomAD exomes 0.00329 and 0.00357; ExAC 0.00378.
gnomAD v4.1: 5,330 of 1,614,136 alleles (0.33%); highest among the groups gnomAD compares: Middle Eastern, 1.2%; 23 homozygotes.

Submissions (3):

Labcorp Genetics (formerly Invitae), Labcorp
Classification: Benign. Last evaluated: 2026-02-04. Review status: criteria provided, single submitter. Criteria: Invitae Variant Classification Sherloc (09022015). Collection method: clinical testing. Allele origin: germline.

Illumina Laboratory Services, Illumina
Classification: Likely benign for Lethal multiple pterygium syndrome. Last evaluated: 2018-01-13. Review status: criteria provided, single submitter. Criteria: ICSL Variant Classification Criteria 13 December 2019. Collection method: clinical testing. Allele origin: germline.
Comment: This variant was observed in the ICSL laboratory as part of a predisposition screen in an ostensibly healthy population. It had not been previously curated by ICSL or reported in the Human Gene Mutation Database (HGMD: prior to June 1st, 2018), and was therefore a candidate for classification through an automated scoring system. Utilizing variant allele frequency, disease prevalence and penetrance estimates, and inheritance mode, an automated score was calculated to assess if this variant is too frequent to cause the disease. Based on the score and internal cut-off values, a variant classified as likely benign is not then subjected to further curation. The score for this variant resulted in a classification of likely benign for this disease.

Illumina Laboratory Services, Illumina
Classification: Uncertain significance for Autosomal recessive multiple pterygium syndrome. Last evaluated: 2018-01-13. Review status: criteria provided, single submitter. Criteria: ICSL Variant Classification Criteria 13 December 2019. Collection method: clinical testing. Allele origin: germline.